The following is an entry in ClinVar:

NM_144687.4(NLRP12):c.1102G>A (p.Ala368Thr)

Gene: NLRP12 (NLR family pyrin domain containing 12; minus strand). Cytogenetic location: 19q13.42.
Variant type: single nucleotide variant.
Coding change: c.1102G>A on transcript NM_144687.4 (MANE Select); coding-DNA position 1102, G replaced by A.
Protein change: p.Ala368Thr; replaces alanine 368 with threonine.
Molecular consequence: missense variant.
Genome position (GRCh38, 1-based): chr19:53,810,557, C>T on the plus strand (G>A on the coding strand, the complement: NLRP12 is on the minus strand). VCF-style: chr19-53810557-C-T. GRCh37 (hg19) VCF-style: chr19-54313811-C-T.
Other names: c.1102G>A, p.Ala368Thr (NM_001277126.2, NM_001277129.1); c.1102G>A (NM_144687.2); short protein forms A368T.
Identifiers: ClinVar variation 811986 (VCV000811986.14), dbSNP rs541068679, ClinGen allele CA9639522.

ClinVar aggregate classification (germline): Uncertain significance. Review status: criteria provided, multiple submitters, no conflicts (2 of 4 stars). 4 submissions from 4 submitters: Uncertain significance (4). Last evaluated 2025-10-01.

Conditions:
Inborn genetic diseases. Identifiers: MedGen C0950123, MeSH D030342.
Familial cold autoinflammatory syndrome 2 (FCAS2). Identifiers: Orphanet 247868, MedGen C2673198, MONDO:0012724, OMIM 611762.

Allele frequency attached by ClinVar (database versions not stated): gnomAD 0.00001; gnomAD exomes 0.00002 and 0.00004; ExAC 0.00004; 1000 Genomes Project 30x 0.00016; 1000 Genomes Project 0.00020.
gnomAD v4.1: 30 of 1,614,046 alleles (0.0019%); highest among the groups gnomAD compares: South Asian, 0.024%; no homozygotes.

Submissions (4):

Labcorp Genetics (formerly Invitae), Labcorp
Classification: Uncertain significance for Familial cold autoinflammatory syndrome 2. Last evaluated: 2025-10-01. Review status: criteria provided, single submitter. Criteria: Invitae Variant Classification Sherloc (09022015). Collection method: clinical testing. Allele origin: germline.
Comment: This sequence change replaces alanine, which is neutral and non-polar, with threonine, which is neutral and polar, at codon 368 of the NLRP12 protein (p.Ala368Thr). This variant is present in population databases (rs541068679, gnomAD 0.03%). This variant has not been reported in the literature in individuals affected with NLRP12-related conditions. ClinVar contains an entry for this variant (Variation ID: 811986). Invitae Evidence Modeling of protein sequence and biophysical properties (such as structural, functional, and spatial information, amino acid conservation, physicochemical variation, residue mobility, and thermodynamic stability) indicates that this missense variant is not expected to disrupt NLRP12 protein function with a negative predictive value of 80%. In summary, the available evidence is currently insufficient to determine the role of this variant in disease. Therefore, it has been classified as a Variant of Uncertain Significance.

Blueprint Genetics
Classification: Uncertain significance. Last evaluated: 2024-03-25. Review status: criteria provided, single submitter. Criteria: ACMG Guidelines, 2015. Collection method: clinical testing. Allele origin: germline.

Ambry Genetics
Classification: Uncertain significance for Inborn genetic diseases. Last evaluated: 2023-12-16. Review status: criteria provided, single submitter. Criteria: Ambry Variant Classification Scheme 2023. Collection method: clinical testing. Allele origin: germline.

ARUP Laboratories, Molecular Genetics and Genomics, ARUP Laboratories
Classification: Uncertain significance for Familial cold autoinflammatory syndrome 2. Last evaluated: 2019-05-01. Review status: criteria provided, single submitter. Criteria: ARUP Molecular Germline Variant Investigation Process. Collection method: clinical testing. Allele origin: germline.